The following is an entry in ClinVar:

NM_004304.5(ALK):c.4028C>T (p.Thr1343Ile)

Gene: ALK (ALK receptor tyrosine kinase; minus strand). Cytogenetic location: 2p23.2.
Variant type: single nucleotide variant.
Coding change: c.4028C>T on transcript NM_004304.5 (MANE Select); coding-DNA position 4028, C replaced by T.
Protein change: p.Thr1343Ile; replaces threonine 1343 with isoleucine.
Molecular consequence: missense variant.
Genome position (GRCh38, 1-based): chr2:29,197,587, G>A on the plus strand (C>T on the coding strand, the complement: ALK is on the minus strand). VCF-style: chr2-29197587-G-A. GRCh37 (hg19) VCF-style: chr2-29420453-G-A.
Other names: c.824C>T, p.Thr275Ile (NM_001353765.2); short protein forms T1343I, T275I.
Identifiers: ClinVar variation 566608 (VCV000566608.17), dbSNP rs753763148, ClinGen allele CA1593702.

ClinVar aggregate classification (germline): Conflicting classifications of pathogenicity. Review status: criteria provided, conflicting classifications (1 of 4 stars). 4 submissions from 4 submitters: Uncertain significance (3); Likely benign (1). Last evaluated 2026-01-05.

Conditions:
Hereditary cancer-predisposing syndrome. Also called: Neoplastic Syndromes, Hereditary; Tumor predisposition; Hereditary Cancer Syndrome; Hereditary neoplastic syndrome. Identifiers: Orphanet 140162, MedGen C0027672, MeSH D009386, MONDO:0015356.
Neuroblastoma, susceptibility to, 3. Also called: ALK-Related Neuroblastic Tumor Susceptibility. Identifiers: Orphanet 635, MedGen C2751681, MONDO:0013083, OMIM 613014.

Allele frequency attached by ClinVar (database versions not stated): gnomAD exomes 0.00001 and 0.00002; ExAC 0.00002; TOPMed 0.00006; gnomAD 0.00010.
gnomAD v4.1: 22 of 1,613,764 alleles (0.0014%); highest among the groups gnomAD compares: African/African-American, 0.025%; no homozygotes.

Submissions (4):

Labcorp Genetics (formerly Invitae), Labcorp
Classification: Uncertain significance for Neuroblastoma, susceptibility to, 3. Last evaluated: 2026-01-05. Review status: criteria provided, single submitter. Criteria: Invitae Variant Classification Sherloc (09022015). Collection method: clinical testing. Allele origin: germline.
Comment: This sequence change replaces threonine, which is neutral and polar, with isoleucine, which is neutral and non-polar, at codon 1343 of the ALK protein (p.Thr1343Ile). This variant is present in population databases (rs753763148, gnomAD 0.03%). This missense change has been observed in individual(s) with high grade glioma (PMID: 26580448). ClinVar contains an entry for this variant (Variation ID: 566608). An algorithm developed to predict the effect of missense changes on protein structure and function (PolyPhen-2) suggests that this variant is likely to be disruptive. In summary, the available evidence is currently insufficient to determine the role of this variant in disease. Therefore, it has been classified as a Variant of Uncertain Significance.

Baylor Genetics
Classification: Uncertain significance for Neuroblastoma, susceptibility to, 3. Last evaluated: 2024-03-26. Review status: criteria provided, single submitter. Criteria: ACMG Guidelines, 2015. Collection method: clinical testing. Allele origin: unknown.

GeneDx
Classification: Uncertain significance. Last evaluated: 2024-02-07. Review status: criteria provided, single submitter. Criteria: GeneDx Variant Classification Process June 2021. Collection method: clinical testing. Allele origin: germline. Affected: yes.
Comment: In silico analysis supports that this missense variant has a deleterious effect on protein structure/function; Identified in a pediatric patient with glioma (PMID: 26580448); Published functional studies demonstrate tyrosine kinase domain activity and focus formation in NIH 3T3 cells similar to wildtype, suggesting no impact on transforming activity (PMID: 25517749); This variant is associated with the following publications: (PMID: 26580448, 30982079, 33674381, 28185914, 25979929, 25517749, 26503946)

Ambry Genetics
Classification: Likely benign for Hereditary cancer-predisposing syndrome. Last evaluated: 2021-12-17. Review status: criteria provided, single submitter. Criteria: Ambry Variant Classification Scheme 2023. Collection method: clinical testing. Allele origin: germline.

Literature cited by the submitters: PubMed 26580448 (cited by Labcorp Genetics (formerly Invitae), Labcorp and Ambry Genetics); PubMed 25517749 (cited by Ambry Genetics); PubMed 25979929 (cited by Ambry Genetics); PubMed 28185914 (cited by Ambry Genetics); PubMed 30982079 (cited by Ambry Genetics).